The following is an entry in ClinVar:

NM_001036.6(RYR3):c.8044G>A (p.Val2682Met)

Gene: RYR3 (ryanodine receptor 3; plus strand). Cytogenetic location: 15q14.
Variant type: single nucleotide variant.
Coding change: c.8044G>A on transcript NM_001036.6 (MANE Select); coding-DNA position 8044, G replaced by A.
Protein change: p.Val2682Met; replaces valine 2682 with methionine.
Molecular consequence: missense variant.
Genome position (GRCh38, 1-based): chr15:33,748,168, G>A. VCF-style: chr15-33748168-G-A. GRCh37 (hg19) VCF-style: chr15-34040369-G-A.
Other names: c.8044G>A, p.Val2682Met (NM_001243996.4); c.8044G>A (NM_001036.3); short protein forms V2682M.
Identifiers: ClinVar variation 1364342 (VCV001364342.9), dbSNP rs2152845782, ClinGen allele CA391582718.

ClinVar aggregate classification (germline): Uncertain significance. Review status: criteria provided, multiple submitters, no conflicts (2 of 4 stars). 2 submissions from 2 submitters: Uncertain significance (2). Last evaluated 2022-11-08.

Conditions:
Epileptic encephalopathy. Identifiers: MedGen C0543888, HP:0200134.

gnomAD v4.1: 3 of 1,613,886 alleles (0.00019%); highest among the groups gnomAD compares: South Asian, 0.0033%; no homozygotes.

Submissions (2):

Ambry Genetics
Classification: Uncertain significance. Last evaluated: 2022-11-08. Review status: criteria provided, single submitter. Criteria: Ambry Variant Classification Scheme 2023. Collection method: clinical testing. Allele origin: germline.

Labcorp Genetics (formerly Invitae), Labcorp
Classification: Uncertain significance for Epileptic encephalopathy. Last evaluated: 2020-11-21. Review status: criteria provided, single submitter. Criteria: Invitae Variant Classification Sherloc (09022015). Collection method: clinical testing. Allele origin: germline.
Comment: This sequence change replaces valine with methionine at codon 2682 of the RYR3 protein (p.Val2682Met). The valine residue is moderately conserved and there is a small physicochemical difference between valine and methionine. This variant is not present in population databases (ExAC no frequency). This variant has not been reported in the literature in individuals with RYR3-related conditions. Algorithms developed to predict the effect of missense changes on protein structure and function output the following: SIFT: "Tolerated"; PolyPhen-2: "Benign"; Align-GVGD: "Class C0". The methionine amino acid residue is found in multiple mammalian species, suggesting that this missense change does not adversely affect protein function. These predictions have not been confirmed by published functional studies and their clinical significance is uncertain. In summary, the available evidence is currently insufficient to determine the role of this variant in disease. Therefore, it has been classified as a Variant of Uncertain Significance.